The following is an entry in ClinVar:

NM_012330.4(KAT6B):c.3289GAA[9] (p.Glu1104dup)

Gene: KAT6B (lysine acetyltransferase 6B; plus strand). Cytogenetic location: 10q22.2.
Variant type: Microsatellite.
Coding change: c.3289GAA[9] on transcript NM_012330.4 (MANE Select); nine copies in a row of the 3-base unit GAA starting at c.3289; the reference has eight copies in a row; one copy, 3 bases duplicated; also written c.3310_3312dup.
Protein change: p.Glu1104dup; duplicates glutamic acid 1104.
Molecular consequence: inframe insertion.
Genome position (GRCh38, 1-based): chr10:75,022,169-75,022,171, GAA duplicated; duplicating any 3 consecutive bases within chr10:75,022,148-75,022,171 gives the same sequence; the position shown is the placement nearest the transcript's 3' end. VCF-style (leftmost placement, unchanged base first): chr10-75022147-G-GGAA. GRCh37 (hg19) VCF-style: chr10-76781905-G-GGAA.
Other names: c.2740GAA[9], p.Glu921dup (NM_001256468.2, NM_001370138.1); c.2413GAA[9], p.Glu812dup (NM_001256469.2, NM_001370139.1, NM_001370140.1 and 2 more transcripts); c.2251GAA[9], p.Glu758dup (NM_001370132.1); c.1600GAA[9], p.Glu541dup (NM_001370133.1); c.1204GAA[9], p.Glu409dup (NM_001370134.1); c.946GAA[9], p.Glu323dup (NM_001370135.1); c.3289GAA[9], p.Glu1104dup (NM_001370136.1, NM_001370137.1); c.2224GAA[9], p.Glu749dup (NM_001370143.1, NM_001370144.1); and 1 more.
Identifiers: ClinVar variation 260238 (VCV000260238.56), dbSNP rs71929101, ClinGen allele CA5564784.

ClinVar aggregate classification (germline): Benign/Likely benign. Review status: criteria provided, multiple submitters, no conflicts (2 of 4 stars). 9 submissions from 9 submitters: Benign (3); Likely benign (3). 3 of the submissions do not count toward it. Last evaluated 2026-07-01.

Conditions:
Genitopatellar syndrome (GTPTS). Also called: Genitopatellar syndrome (GPS); ABSENT PATELLAE, SCROTAL HYPOPLASIA, RENAL ANOMALIES, FACIAL DYSMORPHISM, AND MENTAL RETARDATION. Identifiers: Orphanet 85201, MedGen C1853566, MONDO:0011640, OMIM 606170.

Submissions (9):

CeGaT Center for Human Genetics Tuebingen
Classification: Benign. Last evaluated: 2026-07-01. Review status: criteria provided, single submitter. Criteria: CeGaT Center For Human Genetics Tuebingen Variant Classification Criteria Version 2. Collection method: clinical testing. Allele origin: germline. Affected: yes. Observed: 25 variant alleles.
Comment: KAT6B: BS1, BS2

Labcorp Genetics (formerly Invitae), Labcorp
Classification: Likely benign for Genitopatellar syndrome. Last evaluated: 2026-02-01. Review status: criteria provided, single submitter. Criteria: Invitae Variant Classification Sherloc (09022015). Collection method: clinical testing. Allele origin: germline.

Blueprint Genetics
Classification: Likely benign. Last evaluated: 2024-11-26. Review status: criteria provided, single submitter. Criteria: ACMG Guidelines, 2015. Collection method: clinical testing. Allele origin: germline.

Institute for Genomic Medicine (IGM) Clinical Laboratory, Nationwide Children's Hospital
Classification: Benign. Last evaluated: 2017-08-28. Review status: criteria provided, single submitter. Criteria: ACMG Guidelines, 2015. Collection method: clinical testing. Allele origin: germline.
Comment: BS1, BS2, BP3; This alteration has an allele frequency that is greater than expected for the associated disease, was seen in a healthy adult where full penetrance of the disorder is expected at an early age, and is an in-frame deletion/insertion in a repetitive region without a known function.

GeneDx
Classification: Benign. Last evaluated: 2016-12-21. Review status: criteria provided, single submitter. Criteria: GeneDx Variant Classification Process June 2021. Collection method: clinical testing. Allele origin: germline. Affected: yes.

PreventionGenetics, part of Exact Sciences
Classification: Likely benign. Review status: criteria provided, single submitter. Criteria: ACMG Guidelines, 2015. Collection method: clinical testing. Allele origin: germline.

Clinical Genetics DNA and cytogenetics Diagnostics Lab, Erasmus MC, Erasmus Medical Center
Classification: Benign. Review status: no assertion criteria provided. Collection method: clinical testing. Allele origin: germline. Affected: yes. Study: VKGL Data-share Consensus. Not counted in ClinVar's aggregate classification.

Diagnostic Laboratory, Department of Genetics, University Medical Center Groningen
Classification: Likely benign. Review status: no assertion criteria provided. Collection method: clinical testing. Allele origin: germline. Affected: yes. Study: VKGL Data-share Consensus. Not counted in ClinVar's aggregate classification.

Laboratory of Diagnostic Genome Analysis, Leiden University Medical Center (LUMC)
Classification: Likely benign. Review status: no assertion criteria provided. Collection method: clinical testing. Allele origin: germline. Affected: yes. Study: VKGL Data-share Consensus. Not counted in ClinVar's aggregate classification.